The following is an entry in ClinVar:

ClinVar aggregate classification (germline): Uncertain significance (1 of 4 stars; one submission).

Allele frequency attached by ClinVar (database versions not stated): gnomAD 0.00001; gnomAD exomes 0.00001 and 0.00003; TOPMed 0.00001; ExAC 0.00003.

Submission:

Labcorp Genetics (formerly Invitae), Labcorp
Classification: Uncertain significance. Last evaluated: 2020-02-03. Review status: criteria provided, single submitter. Criteria: Invitae Variant Classification Sherloc (09022015). Collection method: clinical testing. Allele origin: germline.
Comment: In summary, the available evidence is currently insufficient to determine the role of this variant in disease. Therefore, it has been classified as a Variant of Uncertain Significance. Algorithms developed to predict the effect of missense changes on protein structure and function output the following: SIFT: "Tolerated"; PolyPhen-2: "Possibly Damaging"; Align-GVGD: "Class C0". The methionine amino acid residue is found in multiple mammalian species, suggesting that this missense change does not adversely affect protein function. These predictions have not been confirmed by published functional studies and their clinical significance is uncertain. This variant has not been reported in the literature in individuals with SEMA4A-related conditions. This variant is present in population databases (rs775889483, ExAC 0.009%). This sequence change replaces valine with methionine at codon 273 of the SEMA4A protein (p.Val273Met). The valine residue is moderately conserved and there is a small physicochemical difference between valine and methionine.

NM_022367.4(SEMA4A):c.817G>A (p.Val273Met)

Gene: SEMA4A (semaphorin 4A; plus strand). Cytogenetic location: 1q22.
Variant type: single nucleotide variant.
Coding change: c.817G>A on transcript NM_022367.4 (MANE Select); coding-DNA position 817, G replaced by A.
Protein change: p.Val273Met; replaces valine 273 with methionine.
Molecular consequence: missense variant.
Genome position (GRCh38, 1-based): chr1:156,161,352, G>A. VCF-style: chr1-156161352-G-A. GRCh37 (hg19) VCF-style: chr1-156131143-G-A.
Other names: c.817G>A, p.Val273Met (NM_001193300.2, NM_001193301.2, NM_001370567.1); c.421G>A, p.Val141Met (NM_001193302.2); c.520G>A, p.Val174Met (NM_001370568.1); c.310G>A, p.Val104Met (NM_001370569.1, NM_001370571.1); short protein forms V104M, V141M, V174M, V273M.
Identifiers: ClinVar variation 1025832 (VCV001025832.8), dbSNP rs775889483, ClinGen allele CA1155196.